The following is an entry in ClinVar:

NM_002528.7(NTHL1):c.35G>T (p.Ser12Ile)

Gene: NTHL1 (nth like DNA glycosylase 1; minus strand). Cytogenetic location: 16p13.3.
Variant type: single nucleotide variant.
Coding change: c.35G>T on transcript NM_002528.7 (MANE Select); coding-DNA position 35, G replaced by T.
Protein change: p.Ser12Ile; replaces serine 12 with isoleucine.
Molecular consequence: missense variant. On other transcripts: 5 prime UTR variant (1).
Genome position (GRCh38, 1-based): chr16:2,047,789, C>A on the plus strand (G>T on the coding strand, the complement: NTHL1 is on the minus strand). VCF-style: chr16-2047789-C-A. GRCh37 (hg19) VCF-style: chr16-2097790-C-A.
Other names: c.35G>T, p.Ser12Ile (NM_001318193.2); c.-144G>T (NM_001318194.2); short protein forms S12I.
Identifiers: ClinVar variation 2006875 (VCV002006875.4), dbSNP rs2150958467, ClinGen allele CA394298556.

ClinVar aggregate classification (germline): Uncertain significance (1 of 4 stars; one submission).

Allele frequency attached by ClinVar (database versions not stated): gnomAD exomes below 0.00001.
gnomAD v4.1: 3 of 1,590,576 alleles (0.00019%); highest among the groups gnomAD compares: Non-Finnish European, 0.00017%; no homozygotes.

Submission:

Labcorp Genetics (formerly Invitae), Labcorp
Classification: Uncertain significance. Last evaluated: 2024-08-17. Review status: criteria provided, single submitter. Criteria: Invitae Variant Classification Sherloc (09022015). Collection method: clinical testing. Allele origin: germline.
Comment: This sequence change replaces serine, which is neutral and polar, with isoleucine, which is neutral and non-polar, at codon 20 of the NTHL1 protein (p.Ser20Ile). This variant is not present in population databases (gnomAD no frequency). This variant has not been reported in the literature in individuals affected with NTHL1-related conditions. ClinVar contains an entry for this variant (Variation ID: 2006875). An algorithm developed to predict the effect of missense changes on protein structure and function (PolyPhen-2) suggests that this variant is likely to be tolerated. In summary, the available evidence is currently insufficient to determine the role of this variant in disease. Therefore, it has been classified as a Variant of Uncertain Significance.